The following is an entry in ClinVar:

ClinVar aggregate classification (germline): Pathogenic. Review status: reviewed by expert panel (3 of 4 stars). 7 submissions from 7 submitters: Pathogenic (1). 6 of the submissions do not count toward it. Last evaluated 2017-12-15.

Conditions:
Hereditary breast ovarian cancer syndrome. Also called: Hereditary breast and ovarian cancer; Breast and ovarian cancer; BRCA1- and BRCA2-Associated Hereditary Breast and Ovarian Cancer; Hereditary breast and ovarian cancer syndrome; Hereditary breast and ovarian cancer syndrome (HBOC); Hereditary breast and/or ovarian cancer syndrome. Identifiers: Orphanet 145, MedGen C0677776, MeSH D061325, MONDO:0003582. Disease mechanism: loss of function.
Hereditary cancer-predisposing syndrome. Also called: Tumor predisposition; Hereditary Cancer Syndrome; Hereditary neoplastic syndrome; Neoplastic Syndromes, Hereditary. Identifiers: Orphanet 140162, MedGen C0027672, MeSH D009386, MONDO:0015356.
Breast-ovarian cancer, familial, susceptibility to, 2 (BROVCA2). Also called: BRCA2 Hereditary Breast and Ovarian Cancer. Identifiers: Orphanet 145, MedGen C2675520, MONDO:0012933, OMIM 612555. Disease mechanism: loss of function.

Submissions (7):

Evidence-based Network for the Interpretation of Germline Mutant Alleles (ENIGMA)
Classification: Pathogenic for Breast-ovarian cancer, familial, susceptibility to, 2. Last evaluated: 2017-12-15. Review status: reviewed by expert panel. Criteria: ENIGMA BRCA1/2 Classification Criteria (2017-06-29). Collection method: curation. Allele origin: germline. Study: ENIGMA.
Comment: Variant allele predicted to encode a truncated non-functional protein.

Ambry Genetics
Classification: Pathogenic for Hereditary cancer-predisposing syndrome. Last evaluated: 2025-09-18. Review status: criteria provided, single submitter. Criteria: Ambry Variant Classification Scheme 2023. Collection method: clinical testing. Allele origin: germline. Not counted in ClinVar's aggregate classification.
Comment: The c.3059_3060delCT pathogenic mutation, located in coding exon 10 of the BRCA2 gene, results from a deletion of two nucleotides at nucleotide positions 3059 to 3060, causing a translational frameshift with a predicted alternate stop codon (p.S1020*). This variant is considered to be rare based on population cohorts in the Genome Aggregation Database (gnomAD). This alteration is expected to result in loss of function by premature protein truncation or nonsense-mediated mRNA decay. As such, this alteration is interpreted as a disease-causing mutation.

Labcorp Genetics (formerly Invitae), Labcorp
Classification: Pathogenic for Hereditary breast ovarian cancer syndrome. Last evaluated: 2023-12-21. Review status: criteria provided, single submitter. Criteria: Invitae Variant Classification Sherloc (09022015). Collection method: clinical testing. Allele origin: germline. Not counted in ClinVar's aggregate classification.
Comment: This sequence change creates a premature translational stop signal (p.Ser1020*) in the BRCA2 gene. It is expected to result in an absent or disrupted protein product. Loss-of-function variants in BRCA2 are known to be pathogenic (PMID: 20104584). This variant is not present in population databases (gnomAD no frequency). This variant has not been reported in the literature in individuals affected with BRCA2-related conditions. ClinVar contains an entry for this variant (Variation ID: 234872). For these reasons, this variant has been classified as Pathogenic.

Quest Diagnostics Nichols Institute San Juan Capistrano
Classification: Likely pathogenic. Last evaluated: 2023-04-17. Review status: criteria provided, single submitter. Criteria: Quest Diagnostics criteria. Collection method: clinical testing. Allele origin: unknown. Not counted in ClinVar's aggregate classification.
Comment: This frameshift variant alters the translational reading frame of the BRCA2 mRNA and is predicted to cause the premature termination of BRCA2 protein synthesis. The variant has not been reported in individuals with BRCA2-related diseases in the published literature. It also has not been reported in large, multi-ethnic general populations. Based on the available information, this variant is classified as likely pathogenic.

Women's Health and Genetics/Laboratory Corporation of America, LabCorp
Classification: Likely pathogenic for Hereditary breast and ovarian cancer syndrome. Last evaluated: 2019-08-12. Review status: criteria provided, single submitter. Criteria: LabCorp Variant Classification Summary - May 2015. Collection method: clinical testing. Allele origin: germline. Not counted in ClinVar's aggregate classification.
Comment: Variant summary: BRCA2 c.3059_3060delCT (p.Ser1020X) results in a premature termination codon, predicted to cause a truncation of the encoded protein or absence of the protein due to nonsense mediated decay, which are commonly known mechanisms for disease. Truncations downstream of this position have been classified as pathogenic by our laboratory (c.3199delA, p.Thr1067fsX10; c.3264dupT, p.Gln1089fsX10; c.3680_3681delTG, p.Leu1227fsX5). The variant was absent in 250546 control chromosomes (gnomAD). To our knowledge, no occurrence of c.3059_3060delCT in individuals affected with Hereditary Breast and Ovarian Cancer and no experimental evidence demonstrating its impact on protein function have been reported. Three ClinVar submissions including one expert panel (ENIGMA) (evaluation after 2014) classified the variant as pathogenic. Based on the evidence outlined above, the variant was classified as likely pathogenic.

GeneDx
Classification: Pathogenic. Last evaluated: 2016-03-02. Review status: criteria provided, single submitter. Criteria: GeneDx Variant Classification (06012015). Collection method: clinical testing. Allele origin: germline. Affected: yes. Not counted in ClinVar's aggregate classification.
Comment: This deletion of 2 nucleotides is denoted BRCA2 c.3059_3060delCT at the cDNA level and p.Ser1020Ter (S1020X) at the protein level. Using alternate nomenclature, this variant would be defined as BRCA2 3287_3288delCT. The normal sequence, with the bases that are deleted in braces, is CTCT[CT]GAAC. The deletion creates a nonsense variant, which changes a Serine to a premature stop codon. This variant is predicted to cause loss of normal protein function through either protein truncation or nonsense-mediated mRNA decay. Although this variant has not, to our knowledge, been reported in the literature, it is considered pathogenic.

True Health Diagnostics
Classification: Pathogenic for Hereditary cancer-predisposing syndrome. Last evaluated: 2018-01-05. Review status: no assertion criteria provided. Collection method: clinical testing. Allele origin: germline. Not counted in ClinVar's aggregate classification.

Literature cited by the submitters: PubMed 20104584 (cited by Labcorp Genetics (formerly Invitae), Labcorp).

NM_000059.4(BRCA2):c.3059_3060del (p.Leu1019_Ser1020insTer)

Gene: BRCA2 (BRCA2 DNA repair associated; plus strand). Cytogenetic location: 13q13.1.
Variant type: Microsatellite.
Coding change: c.3059_3060del on transcript NM_000059.4 (MANE Select); coding-DNA positions 3059 to 3060, 2 bases deleted (CT; older notation c.3059_3060delCT).
Protein change: p.Leu1019_Ser1020insTer.
Molecular consequence: nonsense.
Genome position (GRCh38, 1-based): chr13:32,337,414-32,337,415, CT deleted; deleting any 2 consecutive bases within chr13:32,337,410-32,337,415 gives the same sequence; the c. name uses the placement nearest the transcript's 3' end. VCF-style (leftmost placement, unchanged base first): chr13-32337409-GCT-G. GRCh37 (hg19) VCF-style: chr13-32911546-GCT-G.
Other names: c.3059_3060delCT (NM_000059.3).
Identifiers: ClinVar variation 234872 (VCV000234872.13), dbSNP rs876661270, ClinGen allele CA10577467.